The following is an entry in ClinVar:

ClinVar aggregate classification (germline): Likely benign. Review status: criteria provided, multiple submitters, no conflicts (2 of 4 stars). 2 submissions from 2 submitters: Likely benign (2). Last evaluated 2024-04-08.

Conditions:
3-methylcrotonyl-CoA carboxylase 2 deficiency. Also called: 3 alpha methylcrotonyl-CoA carboxylase 2 deficiency; 3 alpha methylcrotonylglycinuria 2; MCC 2 deficiency; Methylcrotonylglycinuria type 2; METHYLCROTONYLGLYCINURIA, TYPE II. Identifiers: Orphanet 6, MedGen C1859499, MONDO:0008862, OMIM 210210.

Submissions (2):

Labcorp Genetics (formerly Invitae), Labcorp
Classification: Likely benign for 3-methylcrotonyl-CoA carboxylase 2 deficiency. Last evaluated: 2024-04-08. Review status: criteria provided, single submitter. Criteria: Invitae Variant Classification Sherloc (09022015). Collection method: clinical testing. Allele origin: germline.

GeneDx
Classification: Likely benign. Last evaluated: 2017-09-15. Review status: criteria provided, single submitter. Criteria: GeneDx Variant Classification (06012015). Collection method: clinical testing. Allele origin: germline. Affected: yes.
Comment: This variant is considered likely benign or benign based on one or more of the following criteria: it is a conservative change, it occurs at a poorly conserved position in the protein, it is predicted to be benign by multiple in silico algorithms, and/or has population frequency not consistent with disease.

NM_022132.5(MCCC2):c.279A>T (p.Pro93=)

Gene: MCCC2 (methylcrotonyl-CoA carboxylase subunit 2; plus strand). Cytogenetic location: 5q13.2.
Variant type: single nucleotide variant.
Coding change: c.279A>T on transcript NM_022132.5 (MANE Select); coding-DNA position 279, A replaced by T.
Protein change: p.Pro93=; no amino-acid change (proline 93 retained).
Molecular consequence: synonymous variant.
Genome position (GRCh38, 1-based): chr5:71,596,362, A>T. VCF-style: chr5-71596362-A-T. GRCh37 (hg19) VCF-style: chr5-70892189-A-T.
Other names: c.279A>T, p.Pro93= (NM_001363147.1).
Identifiers: ClinVar variation 511697 (VCV000511697.6), dbSNP rs1554133471, ClinGen allele CA444799920.